The following is an entry in ClinVar:

ClinVar aggregate classification (germline): Conflicting classifications of pathogenicity. Review status: criteria provided, conflicting classifications (1 of 4 stars). 4 submissions from 4 submitters: Uncertain significance (3); Likely benign (1). Last evaluated 2026-02-01.

Conditions:
Anterior segment dysgenesis 8 (ASGD8). Identifiers: Orphanet 519388, MedGen C4310622, MONDO:0015017, OMIM 617319.
Inborn genetic diseases. Identifiers: MedGen C0950123, MeSH D030342.

Allele frequency attached by ClinVar (database versions not stated): 1000 Genomes Project 30x 0.00078; 1000 Genomes Project 0.00100; TOPMed 0.00167; ESP Exome Variant Server 0.00197.
gnomAD v4.1: 404 of 1,605,766 alleles (0.025%); highest among the groups gnomAD compares: African/African-American, 0.49%; no homozygotes.

Submissions (4):

Labcorp Genetics (formerly Invitae), Labcorp
Classification: Likely benign. Last evaluated: 2026-02-01. Review status: criteria provided, single submitter. Criteria: Invitae Variant Classification Sherloc (09022015). Collection method: clinical testing. Allele origin: germline.

Ambry Genetics
Classification: Uncertain significance for Inborn genetic diseases. Last evaluated: 2024-03-11. Review status: criteria provided, single submitter. Criteria: Ambry Variant Classification Scheme 2023. Collection method: clinical testing. Allele origin: germline.

GeneDx
Classification: Uncertain significance. Last evaluated: 2023-12-12. Review status: criteria provided, single submitter. Criteria: GeneDx Variant Classification Process June 2021. Collection method: clinical testing. Allele origin: germline. Affected: yes.
Comment: In silico analysis supports that this missense variant does not alter protein structure/function; Has not been previously published as pathogenic or benign to our knowledge

Baylor Genetics
Classification: Uncertain significance for Anterior segment dysgenesis 8. Last evaluated: 2019-11-08. Review status: criteria provided, single submitter. Criteria: ACMG Guidelines, 2015. Collection method: clinical testing. Allele origin: unknown. Affected: yes.
Comment: This variant was determined to be of uncertain significance according to ACMG Guidelines, 2015 [PMID:25741868].

NM_015692.5(CPAMD8):c.173G>T (p.Arg58Met)

Gene: CPAMD8 (C3 and PZP like alpha-2-macroglobulin domain containing 8; minus strand). Cytogenetic location: 19p13.11.
Variant type: single nucleotide variant.
Coding change: c.173G>T on transcript NM_015692.5 (MANE Select); coding-DNA position 173, G replaced by T.
Protein change: p.Arg58Met; replaces arginine 58 with methionine.
Molecular consequence: missense variant. On other transcripts: non-coding transcript variant (1).
Genome position (GRCh38, 1-based): chr19:17,022,101, C>A on the plus strand (G>T on the coding strand, the complement: CPAMD8 is on the minus strand). VCF-style: chr19-17022101-C-A. GRCh37 (hg19) VCF-style: chr19-17132911-C-A.
Other names: short protein forms R58M.
Identifiers: ClinVar variation 1027997 (VCV001027997.8), dbSNP rs147345591, ClinGen allele CA9286272.